The following is an entry in ClinVar:

NM_006343.3(MERTK):c.757+13_757+14inv

Gene: MERTK (MER proto-oncogene, tyrosine kinase; plus strand). Cytogenetic location: 2q13.
Variant type: Inversion.
Coding change: c.757+13_757+14inv on transcript NM_006343.3 (MANE Select).
Molecular consequence: intron variant.
Genome position: GRCh38 VCF-style: chr2-111947580-TG-CA. GRCh37 (hg19) VCF-style: chr2-112705157-TG-CA.
Identifiers: ClinVar variation 3607029 (VCV003607029.2).

ClinVar aggregate classification (germline): Uncertain significance (1 of 4 stars; one submission).

Submission:

Labcorp Genetics (formerly Invitae), Labcorp
Classification: Uncertain significance. Last evaluated: 2024-08-29. Review status: criteria provided, single submitter. Criteria: Invitae Variant Classification Sherloc (09022015). Collection method: clinical testing. Allele origin: germline.
Comment: This sequence change falls in intron 4 of the MERTK gene. It does not directly change the encoded amino acid sequence of the MERTK protein. Information on the frequency of this variant in the gnomAD database is not available, as this variant may be reported differently in the database. This variant has not been reported in the literature in individuals affected with MERTK-related conditions. Experimental studies and prediction algorithms are not available or were not evaluated, and the functional significance of this variant is currently unknown. In summary, the available evidence is currently insufficient to determine the role of this variant in disease. Therefore, it has been classified as a Variant of Uncertain Significance.